The following is an entry in ClinVar:

NM_000051.4(ATM):c.4247A>G (p.Gln1416Arg)

Gene: ATM (ATM serine/threonine kinase; plus strand). Cytogenetic location: 11q22.3.
Variant type: single nucleotide variant.
Coding change: c.4247A>G on transcript NM_000051.4 (MANE Select); coding-DNA position 4247, A replaced by G.
Protein change: p.Gln1416Arg; replaces glutamine 1416 with arginine.
Molecular consequence: missense variant.
Genome position (GRCh38, 1-based): chr11:108,289,612, A>G. VCF-style: chr11-108289612-A-G. GRCh37 (hg19) VCF-style: chr11-108160339-A-G.
Other names: c.4247A>G, p.Gln1416Arg (NM_001351834.2); short protein forms Q1416R.
Identifiers: ClinVar variation 230064 (VCV000230064.24), dbSNP rs758180727, ClinGen allele CA6265429.
Genomic context (GRCh38, chr11:108,289,612, plus strand): 5'-AGCCGAGTATCTAATTAAACAAGTTTTTACTAAATCTGTTTATTTTCTAGGATTCCTATC[A>G]GAAAATTCTTCTTGCCATATGTGAGCAAGCAGCTGAAACAAATAATGTTTATAAGAAGCA-3'
Protein context (NP_000042.3, residues 1406-1426): EILSKSPDSY[Gln1416Arg]KILLAICEQA

ClinVar aggregate classification (germline): Uncertain significance. Review status: criteria provided, multiple submitters, no conflicts (2 of 4 stars). 6 submissions from 6 submitters: Uncertain significance (5). 1 of the submissions does not count toward it. Last evaluated 2025-12-17.

Conditions:
Hereditary cancer-predisposing syndrome. Also called: Tumor predisposition; Hereditary neoplastic syndrome; Hereditary Cancer Syndrome; Neoplastic Syndromes, Hereditary. Identifiers: Orphanet 140162, MedGen C0027672, MeSH D009386, MONDO:0015356.
Familial cancer of breast. Also called: BREAST CANCER, FAMILIAL; hereditary breast carcinoma; Hereditary breast cancer. Identifiers: Orphanet 227535, MedGen C0346153, MONDO:0016419, OMIM 114480. Disease mechanism: loss of function.
Ataxia-telangiectasia syndrome (AT). Also called: Ataxia-telangiectasia; Cerebello-oculocutaneous telangiectasia; Immunodeficiency with ataxia telangiectasia; Ataxia-telangiectasia, complementation group D; AT, COMPLEMENTATION GROUP C; LOUIS-BAR SYNDROME. Identifiers: Orphanet 100, MedGen C0004135, MONDO:0008840, OMIM 208900.
Malignant tumor of breast. Also called: Malignant breast neoplasm; Cancer breast. Identifiers: MedGen C0006142, MONDO:0007254. Disease mechanism: loss of function.

Allele frequency attached by ClinVar (database versions not stated): gnomAD exomes 0.00001 and 0.00002; ExAC 0.00001.
gnomAD v4.1: 14 of 1,604,866 alleles (0.00087%); highest among the groups gnomAD compares: Non-Finnish European, 0.0011%; no homozygotes.

Submissions (6):

Ambry Genetics
Classification: Uncertain significance for Hereditary cancer-predisposing syndrome. Last evaluated: 2025-12-17. Review status: criteria provided, single submitter. Criteria: Ambry Variant Classification Scheme 2023. Collection method: clinical testing. Allele origin: germline.
Comment: The p.Q1416R variant (also known as c.4247A>G), located in coding exon 28 of the ATM gene, results from an A to G substitution at nucleotide position 4247. The glutamine at codon 1416 is replaced by arginine, an amino acid with highly similar properties. This amino acid position is highly conserved in available vertebrate species. In addition, the in silico prediction for this alteration is inconclusive. Based on the available evidence, the clinical significance of this variant remains unclear.

Labcorp Genetics (formerly Invitae), Labcorp
Classification: Uncertain significance for Ataxia-telangiectasia syndrome. Last evaluated: 2025-09-04. Review status: criteria provided, single submitter. Criteria: Invitae Variant Classification Sherloc (09022015). Collection method: clinical testing. Allele origin: germline.
Comment: This sequence change replaces glutamine, which is neutral and polar, with arginine, which is basic and polar, at codon 1416 of the ATM protein (p.Gln1416Arg). This variant is present in population databases (rs758180727, gnomAD 0.004%). This variant has not been reported in the literature in individuals affected with ATM-related conditions. ClinVar contains an entry for this variant (Variation ID: 230064). Invitae Evidence Modeling of protein sequence and biophysical properties (such as structural, functional, and spatial information, amino acid conservation, physicochemical variation, residue mobility, and thermodynamic stability) indicates that this missense variant is not expected to disrupt ATM protein function with a negative predictive value of 95%. In summary, the available evidence is currently insufficient to determine the role of this variant in disease. Therefore, it has been classified as a Variant of Uncertain Significance.

Color Diagnostics, LLC DBA Color Health
Classification: Uncertain significance for Hereditary cancer-predisposing syndrome. Last evaluated: 2025-02-19. Review status: criteria provided, single submitter. Criteria: ACMG Guidelines, 2015. Collection method: clinical testing. Allele origin: germline.
Comment: This missense variant replaces glutamine with arginine at codon 1416 of the ATM protein. Computational prediction suggests that this variant may not impact protein structure and function. To our knowledge, functional studies have not been reported for this variant. In a case-control study, this variant was detected in 1/13087 breast cancer cases and absent in 5488 controls (PMID: 33471991). This variant has been identified in 4/245772 chromosomes in the general population by the Genome Aggregation Database (gnomAD). The available evidence is insufficient to determine the role of this variant in disease conclusively. Therefore, this variant is classified as a Variant of Uncertain Significance.

Baylor Genetics
Classification: Uncertain significance for Familial cancer of breast. Last evaluated: 2024-02-19. Review status: criteria provided, single submitter. Criteria: ACMG Guidelines, 2015. Collection method: clinical testing. Allele origin: unknown.

GeneDx
Classification: Uncertain significance. Last evaluated: 2023-05-24. Review status: criteria provided, single submitter. Criteria: GeneDx Variant Classification Process June 2021. Collection method: clinical testing. Allele origin: germline. Affected: yes.
Comment: Not observed at significant frequency in large population cohorts (gnomAD); In silico analysis supports that this missense variant has a deleterious effect on protein structure/function; Observed in individual(s) with breast cancer (Decker et al., 2017); This variant is associated with the following publications: (PMID: 28779002, 29641532)

Department of Pathology and Laboratory Medicine, Sinai Health System
Classification: Uncertain significance for Malignant tumor of breast. Review status: no assertion criteria provided. Collection method: clinical testing. Allele origin: unknown. Affected: yes. Observed: 1 variant allele. Study: The Canadian Open Genetics Repository (COGR). Not counted in ClinVar's aggregate classification.
Comment: The ATM p.Gln1416Arg variant was not identified in the literature nor was it identified in the LOVD 3.0, database. The variant was identified in dbSNP (ID: rs758180727) as "With Uncertain significance allele", and ClinVar (classified as uncertain significance by Invitae and Ambry Genetics). The variant was identified in control databases in 4 of 241304 chromosomes at a frequency of 0.00002 (Genome Aggregation Database Feb 27, 2017). The variant was observed in the European population in 4 of 109806 chromosomes (freq: 0.00004), while the variant was not observed in the African, Other, Latino, Ashkenazi Jewish, East Asian, Finnish, and South Asian populations. The p.Gln1416 residue is conserved across mammals and other organisms, and four out of five computational analyses (PolyPhen-2, SIFT, AlignGVGD, BLOSUM, MutationTaster) suggest that the Q variant may impact the protein; however, this information is not predictive enough to assume pathogenicity. The variant occurs outside of the splicing consensus sequence and 1 of 4 in silico or computational prediction software programs (SpliceSiteFinder, MaxEntScan, NNSPLICE, GeneSplicer) predict a greater than 10% difference in splicing; this is not very predictive of pathogenicity. In summary, based on the above information the clinical significance of this variant cannot be determined with certainty at this time. This variant is classified as a variant of uncertain significance.

Literature cited by the submitters: PubMed 28779002 (cited by Ambry Genetics); PubMed 29641532 (cited by Ambry Genetics); PubMed 32885271 (cited by Ambry Genetics); PubMed 33471991 (cited by Color Diagnostics, LLC DBA Color Health).